The following continues an entry in ClinVar:

NM_000059.4(BRCA2):c.7964A>G (p.Gln2655Arg)

Gene: BRCA2. ClinVar aggregate classification (germline): Pathogenic/Likely pathogenic. Pathogenic (1); Likely pathogenic (16).

Submissions 10 to 19 of 19:

All of Us Research Program, National Institutes of Health
Classification: Likely pathogenic for Breast-ovarian cancer, familial, susceptibility to, 2. Last evaluated: 2024-01-10. Review status: criteria provided, single submitter. Criteria: ACMG Guidelines, 2015. Collection method: clinical testing. Allele origin: germline. Inheritance: Autosomal dominant inheritance. Observed: 2 variant alleles, 2 heterozygotes.
Comment: This missense variant replaces glutamine with arginine at codon 2655 of the BRCA2 protein. Computational prediction suggests that this variant may have deleterious impact on protein structure and function (internally defined REVEL score threshold >= 0.7, PMID: 27666373). A functional study reported that this variant impacts BRCA2 function in a homology-mediated repair assay (PMID: 29394989). This variant has been detected in two individuals affected with breast cancer and absent in 53461 unaffected individuals in a breast cancer case-control meta-analysis (PMID: 33471991; Leiden Open Variation Database DB-ID BRCA2_000247). This variant also has been found in trans with a pathogenic truncation variant in BRCA2 in an individual diagnosed with Fanconi anemia (PMID: 20608899). This variant has not been identified in the general population by the Genome Aggregation Database (gnomAD). Based on the available evidence, this variant is classified as Likely Pathogenic.

This study involves interpretation of variants in research participants for the purpose of population health screening. Participant phenotype was not available at the time of variant classification. Additional details can be found in publication PMID: 35346344, PMCID: PMC8962531

Human Genome Sequencing Center Clinical Lab, Baylor College of Medicine
Classification: Likely pathogenic for hereditary breast and ovarian cancer syndrome. Last evaluated: 2023-10-04. Review status: criteria provided, single submitter. Criteria: ACMG Guidelines, 2015. Collection method: clinical testing. Allele origin: unknown.
Comment: The c.7964A>G variant in the BRCA2 gene is located in exon 17, and replaces glutamine with arginine at codon 2655 (p.Gln2655Arg) in the BRCA2 protein. This variant has been reported in individuals affected with breast cancer (PMID: 33471991) and in an individual affected with Fanconi Anemia (PMID: 20608899). Experimental studies have shown that this variant has a deleterious effect in a homology directed DNA repair (HDR) assay (PMID: 29394989, 29884841). ClinVar contains an entry for this variant (ID: 52450). This variant is absent in the general population according to gnomAD. In silico prediction algorithms suggest that this variant may have deleterious impact on protein structure and function. Therefore, the c.7964A>G (p.Gln2655Arg) variant in the BRCA2 gene is classified as likely pathogenic.

Baylor Genetics
Classification: Likely pathogenic for Familial cancer of breast. Last evaluated: 2023-06-30. Review status: criteria provided, single submitter. Criteria: ACMG Guidelines, 2015. Collection method: clinical testing. Allele origin: unknown.

Color Diagnostics, LLC DBA Color Health
Classification: Likely pathogenic for Hereditary cancer-predisposing syndrome. Last evaluated: 2023-03-29. Review status: criteria provided, single submitter. Criteria: ACMG Guidelines, 2015. Collection method: clinical testing. Allele origin: germline.
Comment: This missense variant replaces glutamine with arginine at codon 2655 of the BRCA2 protein. Computational prediction suggests that this variant may have deleterious impact on protein structure and function (internally defined REVEL score threshold >= 0.7, PMID: 27666373). A functional study reported that this variant impacts BRCA2 function in a homology-mediated repair assay (PMID: 29394989). This variant has been detected in two individuals affected with breast cancer and absent in 53461 unaffected individuals in a breast cancer case-control meta-analysis (PMID: 33471991; Leiden Open Variation Database DB-ID BRCA2_000247). This variant also has been found in trans with a pathogenic truncation variant in BRCA2 in an individual diagnosed with Fanconi anemia (PMID: 20608899). This variant has not been identified in the general population by the Genome Aggregation Database (gnomAD). Based on the available evidence, this variant is classified as Likely Pathogenic.

Mayo Clinic Laboratories, Mayo Clinic
Classification: Likely pathogenic. Last evaluated: 2022-12-15. Review status: criteria provided, single submitter. Criteria: ACMG Guidelines, 2015. Collection method: clinical testing. Allele origin: germline. Observed: 2 variant alleles.
Comment: PP4, PM2, PS2, PS3_moderate

Quest Diagnostics Nichols Institute San Juan Capistrano
Classification: Pathogenic. Last evaluated: 2021-02-17. Review status: criteria provided, single submitter. Criteria: Quest Diagnostics criteria. Collection method: clinical testing. Allele origin: unknown.
Comment: This variant has been reported with another pathogenic BRCA2 variant in trans (on a different chromosome) in an individual affected with Fanconi Anemia (PMIDs: 11430722 (2001) and 20608899 (2010)). In addition, this variant was reported to have a damaging effect on homology-directed repair in a peer-reviewed experimental study (PMID: 29394989 (2018)). This variant has not been reported in large, multi-ethnic general populations. Variant is predicted to have a damaging effect on the protein and is located in a potentially critical domain of the protein. Based on the available information, this variant is classified as pathogenic.

Institute of Human Genetics, University of Leipzig Medical Center
Classification: Likely pathogenic for Breast-ovarian cancer, familial, susceptibility to, 2. Last evaluated: 2020-08-31. Review status: criteria provided, single submitter. Criteria: ACMG Guidelines, 2015. Collection method: clinical testing. Allele origin: unknown. Affected: yes.

Mendelics
Classification: Likely pathogenic for Breast-ovarian cancer, familial, susceptibility to, 2. Last evaluated: 2019-05-28. Review status: criteria provided, single submitter. Criteria: Mendelics Assertion Criteria 2017. Collection method: clinical testing. Allele origin: unknown.

Counsyl
Classification: Uncertain significance for Breast-ovarian cancer, familial, susceptibility to, 2. Last evaluated: 2017-09-06. Review status: no assertion criteria provided. Collection method: clinical testing. Allele origin: unknown. Not counted in ClinVar's aggregate classification.

Breast Cancer Information Core (BIC) (BRCA2)
Classification: Uncertain significance for Breast-ovarian cancer, familial 2. Last evaluated: 2003-12-23. Review status: flagged submission. Collection method: clinical testing. Allele origin: germline. Affected: yes. Observed: 1 variant allele. Not counted in ClinVar's aggregate classification.
ClinVar note: Reason: Outlier claim with insufficient supporting evidence

Literature cited by the submitters: PubMed 31131967 (cited by Center for Genomic Medicine, Rigshospitalet, Copenhagen University Hospital); PubMed 29884841 (cited by 4 submitters); PubMed 20608899 (cited by 10 submitters); PubMed 29394989 (cited by 8 submitters); PubMed 11430722 (cited by 4 submitters); PubMed 12228710 (cited by Ambry Genetics and Quest Diagnostics Nichols Institute San Juan Capistrano); PubMed 19043619 (cited by 4 submitters); PubMed 26064523 (cited by 3 submitters); PubMed 34687993 (cited by Women's Health and Genetics/Laboratory Corporation of America, LabCorp); PubMed 36721989 (cited by Women's Health and Genetics/Laboratory Corporation of America, LabCorp); PubMed 33471991 (cited by All of Us Research Program, National Institutes of Health and Color Diagnostics, LLC DBA Color Health); PubMed 24817641 (cited by Quest Diagnostics Nichols Institute San Juan Capistrano and Counsyl).